The following is an entry in ClinVar:

ClinVar aggregate classification (germline): Pathogenic. Review status: criteria provided, multiple submitters, no conflicts (2 of 4 stars). 3 submissions from 3 submitters: Pathogenic (3). Last evaluated 2025-11-02.

Conditions:
ARSA-related disorder. Also called: ARSA-related condition.
Metachromatic leukodystrophy (MLD). Also called: CEREBROSIDE SULFATASE DEFICIENCY; Arylsulfatase A Deficiency; METACHROMATIC LEUKOENCEPHALOPATHY; SULFATIDE LIPIDOSIS; ARSA DEFICIENCY; Cerebral sclerosis diffuse metachromatic form. Identifiers: Orphanet 512, MedGen C0023522, MONDO:0018868, OMIM 250100.

Allele frequency attached by ClinVar (database versions not stated): gnomAD exomes below 0.00001 and 0.00001; ExAC 0.00001.
gnomAD v4.1: 5 of 1,612,214 alleles (0.00031%); highest among the groups gnomAD compares: Non-Finnish European, 0.00042%; no homozygotes.

Submissions (3):

Labcorp Genetics (formerly Invitae), Labcorp
Classification: Pathogenic for Metachromatic leukodystrophy. Last evaluated: 2025-11-02. Review status: criteria provided, single submitter. Criteria: Invitae Variant Classification Sherloc (09022015). Collection method: clinical testing. Allele origin: germline.
Comment: This sequence change affects an acceptor splice site in intron 4 of the ARSA gene. It is expected to disrupt RNA splicing. Variants that disrupt the donor or acceptor splice site typically lead to a loss of protein function (PMID: 16199547), and loss-of-function variants in ARSA are known to be pathogenic (PMID: 8962139, 10477432). This variant is present in population databases (rs754898479, gnomAD 0.002%). Disruption of this splice site has been observed in individual(s) with metachromatic leukodystrophy (PMID: 14571263, 18786133). In at least one individual the data is consistent with being in trans (on the opposite chromosome) from a pathogenic variant. This variant is also known as c.849-1G>A. ClinVar contains an entry for this variant (Variation ID: 840642). Studies have shown that disruption of this splice site alters mRNA splicing and is expected to lead to the loss of protein expression (PMID: 14571263). For these reasons, this variant has been classified as Pathogenic.

Blueprint Genetics
Classification: Pathogenic for ARSA-related disorders. Last evaluated: 2024-09-09. Review status: criteria provided, single submitter. Criteria: ACMG Guidelines, 2015. Collection method: clinical testing. Allele origin: germline. Affected: yes. Observed: 1 variant allele.

Women's Health and Genetics/Laboratory Corporation of America, LabCorp
Classification: Pathogenic for Metachromatic leukodystrophy. Last evaluated: 2022-09-26. Review status: criteria provided, single submitter. Criteria: LabCorp Variant Classification Summary - May 2015. Collection method: clinical testing. Allele origin: germline.
Comment: Variant summary: ARSA c.855-1G>A is located in a canonical splice-site and is predicted to affect mRNA splicing resulting in a significantly altered protein due to either exon skipping, shortening, or inclusion of intronic material. Several computational tools predict a significant impact on normal splicing: Four predict the variant abolishes a canonical 3' acceptor site. At least one publication reports experimental evidence that this variant affects mRNA splicing (Regis_2004). The variant allele was found at a frequency of 8.1e-06 in 246424 control chromosomes. c.855-1G>A has been reported in the literature in individuals affected with Metachromatic Leukodystrophy (Regis_2004, Fumagalli_2021). These data indicate that the variant is associated with disease. One publication reports experimental evidence evaluating an impact on protein function, with the variant resulting in reduced enzyme activity. One clinical diagnostic laboratory has submitted clinical-significance assessments for this variant to ClinVar after 2014 without evidence for independent evaluation, classifying the variant as pathogenic. Based on the evidence outlined above, the variant was classified as pathogenic.

Literature cited by the submitters: PubMed 16199547 (cited by Labcorp Genetics (formerly Invitae), Labcorp); PubMed 8962139 (cited by Labcorp Genetics (formerly Invitae), Labcorp); PubMed 10477432 (cited by Labcorp Genetics (formerly Invitae), Labcorp); PubMed 14571263 (cited by Labcorp Genetics (formerly Invitae), Labcorp and Women's Health and Genetics/Laboratory Corporation of America, LabCorp); PubMed 18786133 (cited by Labcorp Genetics (formerly Invitae), Labcorp and Women's Health and Genetics/Laboratory Corporation of America, LabCorp); PubMed 33855715 (cited by Women's Health and Genetics/Laboratory Corporation of America, LabCorp).

NM_000487.6(ARSA):c.855-1G>A

Gene: ARSA (arylsulfatase A; minus strand). Cytogenetic location: 22q13.33.
Variant type: single nucleotide variant.
Coding change: c.855-1G>A on transcript NM_000487.6 (MANE Select); the canonical splice acceptor site of the intron before coding-DNA position 855, G replaced by A.
Molecular consequence: splice acceptor variant.
Genome position (GRCh38, 1-based): chr22:50,626,279, C>T on the plus strand (G>A on the coding strand, the complement: ARSA is on the minus strand). VCF-style: chr22-50626279-C-T. GRCh37 (hg19) VCF-style: chr22-51064707-C-T.
Other names: c.597-1G>A (NM_001362782.2, NM_001085428.3); c.855-1G>A (NM_001085427.3, NM_001085426.3, NM_001085425.3).
Identifiers: ClinVar variation 840642 (VCV000840642.13), dbSNP rs754898479, ClinGen allele CA10324892.